The following is an entry in ClinVar:

ClinVar aggregate classification (germline): Uncertain significance. Review status: criteria provided, multiple submitters, no conflicts (2 of 4 stars). 2 submissions from 2 submitters: Uncertain significance (2). Last evaluated 2025-08-18.

Conditions:
Facioscapulohumeral muscular dystrophy 2 (FSHD2). Also called: MUSCULAR DYSTROPHY, FACIOSCAPULOHUMERAL, TYPE 1B; FACIOSCAPULOHUMERAL MUSCULAR DYSTROPHY 2, DIGENIC; FSHD2, DIGENIC. Identifiers: Orphanet 269, MedGen C1834671, MONDO:0008031, OMIM 158901.

gnomAD v4.1: 41 of 1,552,226 alleles (0.0026%); highest among the groups gnomAD compares: Non-Finnish European, 0.0036%; no homozygotes.

Submissions (2):

Labcorp Genetics (formerly Invitae), Labcorp
Classification: Uncertain significance for Facioscapulohumeral muscular dystrophy 2. Last evaluated: 2025-08-18. Review status: criteria provided, single submitter. Criteria: Invitae Variant Classification Sherloc (09022015). Collection method: clinical testing. Allele origin: germline.
Comment: This sequence change replaces aspartic acid, which is acidic and polar, with valine, which is neutral and non-polar, at codon 1806 of the SMCHD1 protein (p.Asp1806Val). The frequency data for this variant in the population databases is considered unreliable, as metrics indicate poor data quality at this position in the gnomAD database. This variant has not been reported in the literature in individuals affected with SMCHD1-related conditions. Invitae Evidence Modeling of protein sequence and biophysical properties (such as structural, functional, and spatial information, amino acid conservation, physicochemical variation, residue mobility, and thermodynamic stability) indicates that this missense variant is not expected to disrupt SMCHD1 protein function with a negative predictive value of 80%. In summary, the available evidence is currently insufficient to determine the role of this variant in disease. Therefore, it has been classified as a Variant of Uncertain Significance.

Blueprint Genetics
Classification: Uncertain significance. Last evaluated: 2021-06-21. Review status: criteria provided, single submitter. Criteria: ACMG Guidelines, 2015. Collection method: clinical testing. Allele origin: germline.

NM_015295.3(SMCHD1):c.5417A>T (p.Asp1806Val)

Gene: SMCHD1 (structural maintenance of chromosomes flexible hinge domain containing 1; plus strand). Cytogenetic location: 18p11.32.
Variant type: single nucleotide variant.
Coding change: c.5417A>T on transcript NM_015295.3 (MANE Select); coding-DNA position 5417, A replaced by T.
Protein change: p.Asp1806Val; replaces aspartic acid 1806 with valine.
Molecular consequence: missense variant.
Genome position (GRCh38, 1-based): chr18:2,777,856, A>T. VCF-style: chr18-2777856-A-T. GRCh37 (hg19) VCF-style: chr18-2777854-A-T.
Other names: short protein forms D1806V.
Identifiers: ClinVar variation 4753665 (VCV004753665.2).